The following is an entry in ClinVar:

NM_000384.3(APOB):c.690C>A (p.Gly230=)

Gene: APOB (apolipoprotein B; minus strand). Cytogenetic location: 2p24.1.
Variant type: single nucleotide variant.
Coding change: c.690C>A on transcript NM_000384.3 (MANE Select); coding-DNA position 690, C replaced by A.
Protein change: p.Gly230=; no amino-acid change (glycine 230 retained).
Molecular consequence: synonymous variant.
Genome position (GRCh38, 1-based): chr2:21,037,103, G>T on the plus strand (C>A on the coding strand, the complement: APOB is on the minus strand). VCF-style: chr2-21037103-G-T. GRCh37 (hg19) VCF-style: chr2-21259975-G-T.
Identifiers: ClinVar variation 477816 (VCV000477816.16), dbSNP rs151096846, ClinGen allele CA063740.

ClinVar aggregate classification (germline): Likely benign. Review status: criteria provided, multiple submitters, no conflicts (2 of 4 stars). 5 submissions from 5 submitters: Likely benign (5). Last evaluated 2025-04-09.

Conditions:
Hypercholesterolemia, autosomal dominant, type B (FHCL2). Also called: APOB-Related Familial Hypercholesterolemia, Autosomal Dominant; Hyperlipoproteinemia Type IIb; Familial Hypercholesterolemia Type B; APOLIPOPROTEIN B-100, FAMILIAL DEFECTIVE; APOLIPOPROTEIN B-100, FAMILIAL LIGAND-DEFECTIVE; HYPERCHOLESTEROLEMIA, FAMILIAL, DUE TO LIGAND-DEFECTIVE APOLIPOPROTEIN B. Identifiers: MedGen C1704417, MONDO:0007751, OMIM 144010.
Familial hypobetalipoproteinemia 1. Also called: Hypobetalipoproteinemia, normotriglyceridemic; Acanthocytosis with hypobetalipoproteinemia; APOB-Related Familial Hypobetalipoproteinemia. Identifiers: MedGen C4551990, MONDO:0014252, OMIM 615558.
Cardiovascular phenotype. Identifiers: MedGen CN230736.
Familial hypercholesterolemia. Also called: Familial hypercholesterolemias; Familial hypercholesterolaemia. Identifiers: MedGen C0020445, MONDO:0005439.
Hypercholesterolemia, familial, 1. Also called: LDL RECEPTOR DISORDER; Hyperlipoproteinemia Type IIa; HYPER-LOW-DENSITY-LIPOPROTEINEMIA; HYPERCHOLESTEROLEMIC XANTHOMATOSIS, FAMILIAL; Fredrickson type IIa hyperlipoproteinemia; Hyperlipoproteinemia type 2. Identifiers: Orphanet 391665, MedGen C0745103, MONDO:0007750, OMIM 143890.

Allele frequency attached by ClinVar (database versions not stated): ExAC 0.00001; gnomAD exomes 0.00001; TOPMed 0.00001; gnomAD 0.00002; ESP Exome Variant Server 0.00008.
gnomAD v4.1: 22 of 1,614,100 alleles (0.0014%); highest among the groups gnomAD compares: Non-Finnish European, 0.0019%; no homozygotes.

Submissions (5):

Molecular Diagnostic Laboratory for Inherited Cardiovascular Disease, Montreal Heart Institute
Classification: Likely benign. Last evaluated: 2025-04-09. Review status: criteria provided, single submitter. Criteria: ACMG Guidelines, 2015. Collection method: clinical testing. Allele origin: germline. Affected: no.
Comment: BP6;BP7

Labcorp Genetics (formerly Invitae), Labcorp
Classification: Likely benign for Familial hypobetalipoproteinemia 1; Hypercholesterolemia, autosomal dominant, type B. Last evaluated: 2024-11-24. Review status: criteria provided, single submitter. Criteria: Invitae Variant Classification Sherloc (09022015). Collection method: clinical testing. Allele origin: germline.

GENinCode PLC
Classification: Likely benign for Familial hypercholesterolemia. Last evaluated: 2024-06-19. Review status: criteria provided, single submitter. Criteria: ACMG Guidelines, 2015. Collection method: clinical testing. Allele origin: germline.
Comment: This is a synonymous (silent) variant that is not predicted by SpliceAI to impact splicing. In addition, it occurs at a nucleotide that is not conserved. Therefore this variant has been classified as Likely Benign (BP4, BP7).

Ambry Genetics
Classification: Likely benign for Cardiovascular phenotype. Last evaluated: 2023-02-12. Review status: criteria provided, single submitter. Criteria: Ambry Variant Classification Scheme 2023. Collection method: clinical testing. Allele origin: germline.

Robarts Research Institute, Western University
Classification: Likely benign for Hypercholesterolemia, familial, 1. Last evaluated: 2018-01-02. Review status: criteria provided, single submitter. Criteria: ACMG Guidelines, 2015. Collection method: clinical testing. Allele origin: germline. Inheritance: Autosomal dominant inheritance. Affected: yes.